The following is an entry in ClinVar:

ClinVar aggregate classification (germline): Uncertain significance (1 of 4 stars; one submission).

Submission:

Ambry Genetics
Classification: Uncertain significance. Last evaluated: 2025-07-03. Review status: criteria provided, single submitter. Criteria: Ambry Variant Classification Scheme 2023. Collection method: clinical testing. Allele origin: germline.
Comment: The p.P320H variant (also known as c.959C>A), located in coding exon 7 of the ATRIP gene, results from a C to A substitution at nucleotide position 959. The proline at codon 320 is replaced by histidine, an amino acid with similar properties. This amino acid position is conserved. In addition, the in silico prediction for this alteration is inconclusive. Based on the available evidence, the clinical significance of this variant remains unclear.

NM_130384.3(ATRIP):c.959C>A (p.Pro320His)

Genes: ATRIP (ATR interacting protein; plus strand), ATRIP-TREX1 (ATRIP-TREX1 readthrough; plus strand). Cytogenetic location: 3p21.31.
Variant type: single nucleotide variant.
Coding change: c.959C>A on transcript NM_130384.3 (MANE Select); coding-DNA position 959, C replaced by A.
Protein change: p.Pro320His; replaces proline 320 with histidine.
Molecular consequence: missense variant. On other transcripts: non-coding transcript variant (1).
Genome position (GRCh38, 1-based): chr3:48,459,820, C>A. VCF-style: chr3-48459820-C-A. GRCh37 (hg19) VCF-style: chr3-48501219-C-A.
Other names: c.959C>A, p.Pro320His (NM_032166.4); c.578C>A, p.Pro193His (NM_001271022.2); c.680C>A, p.Pro227His (NM_001271023.2); short protein forms P193H, P227H, P320H.
Identifiers: ClinVar variation 4181954 (VCV004181954.1).